The following is an entry in ClinVar:

NM_001384140.1(PCDH15):c.1970C>T (p.Pro657Leu)

Gene: PCDH15 (protocadherin related 15; minus strand). Cytogenetic location: 10q21.1.
Variant type: single nucleotide variant.
Coding change: c.1970C>T on transcript NM_001384140.1 (MANE Select); coding-DNA position 1970, C replaced by T.
Protein change: p.Pro657Leu; replaces proline 657 with leucine.
Molecular consequence: missense variant. On other transcripts: intron variant (1).
Genome position (GRCh38, 1-based): chr10:54,090,011, G>A on the plus strand (C>T on the coding strand, the complement: PCDH15 is on the minus strand). VCF-style: chr10-54090011-G-A. GRCh37 (hg19) VCF-style: chr10-55849771-G-A.
Other names: c.1970C>T, p.Pro657Leu (NM_001142770.3, NM_001142772.2, NM_001354420.2 and 5 more transcripts); c.1985C>T, p.Pro662Leu (NM_001142771.2, NM_001142763.2); c.1904C>T, p.Pro635Leu (NM_001142773.2, NM_001354404.2, NM_001142768.2); c.1991C>T, p.Pro664Leu (NM_001354411.2); c.1785-10587C>T (NM_001142765.2); c.1859C>T, p.Pro620Leu (NM_001142767.2); c.2006C>T, p.Pro669Leu (NM_001142769.4); short protein forms P620L, P635L, P657L, P662L, P664L, P669L.
Identifiers: ClinVar variation 1002902 (VCV001002902.3), dbSNP rs757098609, ClinGen allele CA5506193.
Genomic context (GRCh38, chr10:54,090,011, plus strand): 5'-TTTTTTTAAAGTAGGAAATCATTTTTAACTTACGTTTCTGAAAGATTAAAAACTCTCTGA[G>A]GATCTCCATTCTCAATGGCATATGTTATTGAGTCTCCCTCTCGATCAGTTGCCTTCAGAG-3'
Protein context (NP_001371069.1, residues 647-667): SITYAIENGD[Pro657Leu]QRVFNLSETT

ClinVar aggregate classification (germline): Uncertain significance. Review status: criteria provided, single submitter (1 of 4 stars). 2 submissions from 2 submitters: Uncertain significance (1). 1 of the submissions does not count toward it. Last evaluated 2022-02-03.

Conditions:
Usher syndrome type 1F (USH1F). Also called: USHER SYNDROME, TYPE IF. Identifiers: Orphanet 231169, Orphanet 886, MedGen C1865885, MONDO:0011186, OMIM 602083.

Allele frequency attached by ClinVar (database versions not stated): gnomAD 0.00001; gnomAD exomes 0.00002; TOPMed 0.00002; ExAC 0.00004.
gnomAD v4.1: 31 of 1,612,128 alleles (0.0019%); highest among the groups gnomAD compares: Non-Finnish European, 0.0025%; no homozygotes.

Submissions (2):

Labcorp Genetics (formerly Invitae), Labcorp
Classification: Uncertain significance. Last evaluated: 2022-02-03. Review status: criteria provided, single submitter. Criteria: Invitae Variant Classification Sherloc (09022015). Collection method: clinical testing. Allele origin: germline.
Comment: This sequence change replaces proline, which is neutral and non-polar, with leucine, which is neutral and non-polar, at codon 657 of the PCDH15 protein (p.Pro657Leu). This variant is present in population databases (rs757098609, gnomAD 0.004%). This variant has not been reported in the literature in individuals affected with PCDH15-related conditions. ClinVar contains an entry for this variant (Variation ID: 1002902). Algorithms developed to predict the effect of missense changes on protein structure and function (SIFT, PolyPhen-2, Align-GVGD) all suggest that this variant is likely to be tolerated. In summary, the available evidence is currently insufficient to determine the role of this variant in disease. Therefore, it has been classified as a Variant of Uncertain Significance.

Natera, Inc.
Classification: Uncertain significance for Usher syndrome type 1F. Last evaluated: 2020-09-08. Review status: no assertion criteria provided. Collection method: clinical testing. Allele origin: germline. Not counted in ClinVar's aggregate classification.